The following is an entry in ClinVar:

ClinVar aggregate classification (germline): Uncertain significance (1 of 4 stars; one submission).

Conditions:
Inborn genetic diseases. Identifiers: MedGen C0950123, MeSH D030342.

Submission:

Ambry Genetics
Classification: Uncertain significance for Inborn genetic diseases. Last evaluated: 2022-07-08. Review status: criteria provided, single submitter. Criteria: Ambry Variant Classification Scheme 2023. Collection method: clinical testing. Allele origin: germline.
Comment: The p.S504Y variant (also known as c.1511C>A), located in coding exon 8 of the SETX gene, results from a C to A substitution at nucleotide position 1511. The serine at codon 504 is replaced by tyrosine, an amino acid with dissimilar properties. This amino acid position is conserved. In addition, this alteration is predicted to be tolerated by in silico analysis. Since supporting evidence is limited at this time, the clinical significance of this alteration remains unclear.

NM_015046.7(SETX):c.1511C>A (p.Ser504Tyr)

Gene: SETX (senataxin; minus strand). Cytogenetic location: 9q34.13.
Variant type: single nucleotide variant.
Coding change: c.1511C>A on transcript NM_015046.7 (MANE Select); coding-DNA position 1511, C replaced by A.
Protein change: p.Ser504Tyr; replaces serine 504 with tyrosine.
Molecular consequence: missense variant.
Genome position (GRCh38, 1-based): chr9:132,330,087, G>T on the plus strand (C>A on the coding strand, the complement: SETX is on the minus strand). VCF-style: chr9-132330087-G-T. GRCh37 (hg19) VCF-style: chr9-135205474-G-T.
Other names: c.1511C>A, p.Ser504Tyr (NM_001351527.2, NM_001351528.2); short protein forms S504Y.
Identifiers: ClinVar variation 1774213 (VCV001774213.2), dbSNP rs2539133285, ClinGen allele CA375342934.
Genomic context (GRCh38, chr9:132,330,087, plus strand): 5'-TGCAATGACAGTGAAGATATCATTGCTGTTCCTTTGGAGCAATTTCCAGATGATTTCTCA[G>T]AACTCCGTGTAAACGCAGTGGTAGGAAGCTTGGCACATTTGACGACGGCTTCCACCCATT-3'
Protein context (NP_055861.3, residues 494-514): KLPTTAFTRS[Ser504Tyr]EKSSGNCSKG